The following is an entry in ClinVar:

ClinVar aggregate classification (germline): Likely benign. Review status: criteria provided, multiple submitters, no conflicts (2 of 4 stars). 4 submissions from 4 submitters: Likely benign (4). Last evaluated 2025-12-01.

Conditions:
Autosomal recessive distal spinal muscular atrophy 1. Also called: Spinal muscular atrophy with respiratory distress 1; HMN VI; NEURONOPATHY, SEVERE INFANTILE AXONAL, WITH RESPIRATORY FAILURE; SEVERE INFANTILE AXONAL NEUROPATHY WITH RESPIRATORY FAILURE; SPINAL MUSCULAR ATROPHY, DIAPHRAGMATIC; NEURONOPATHY, DISTAL HEREDITARY MOTOR, HARDING TYPE VI. Identifiers: Orphanet 98920, MedGen C1858517, MONDO:0011436, OMIM 604320.
Charcot-Marie-Tooth disease axonal type 2S. Also called: CHARCOT-MARIE-TOOTH DISEASE, AXONAL, AUTOSOMAL RECESSIVE, TYPE 2S; CHARCOT-MARIE-TOOTH NEUROPATHY, TYPE 2S. Identifiers: Orphanet 443073, MedGen C4015349, MONDO:0014511, OMIM 616155.
Charcot-Marie-Tooth disease. Also called: Charcot-Marie-Tooth Hereditary Neuropathy; Charcot-Marie-Tooth Neuropathy. Identifiers: Orphanet 166, MedGen C0007959, MONDO:0015626.

Allele frequency attached by ClinVar (database versions not stated): gnomAD exomes 0.00001; TOPMed 0.00003.
gnomAD v4.1: 13 of 1,608,068 alleles (0.00081%); highest among the groups gnomAD compares: Middle Eastern, 0.019%; no homozygotes.

Submissions (4):

CeGaT Center for Human Genetics Tuebingen
Classification: Likely benign. Last evaluated: 2025-12-01. Review status: criteria provided, single submitter. Criteria: CeGaT Center For Human Genetics Tuebingen Variant Classification Criteria Version 2. Collection method: clinical testing. Allele origin: germline. Affected: yes. Observed: 1 variant allele.
Comment: IGHMBP2: BP4, BP7

ARUP Laboratories, Molecular Genetics and Genomics, ARUP Laboratories
Classification: Likely benign. Last evaluated: 2024-12-31. Review status: criteria provided, single submitter. Criteria: ARUP Molecular Germline Variant Investigation Process 2024. Collection method: clinical testing. Allele origin: germline.

Labcorp Genetics (formerly Invitae), Labcorp
Classification: Likely benign for Autosomal recessive distal spinal muscular atrophy 1; Charcot-Marie-Tooth disease axonal type 2S. Last evaluated: 2024-06-09. Review status: criteria provided, single submitter. Criteria: Invitae Variant Classification Sherloc (09022015). Collection method: clinical testing. Allele origin: germline.

Molecular Genetics Laboratory, London Health Sciences Centre
Classification: Likely benign for Charcot-Marie-Tooth disease. Review status: criteria provided, single submitter. Criteria: ACMG Guidelines, 2015. Collection method: clinical testing. Allele origin: germline. Affected: yes.

NM_002180.3(IGHMBP2):c.2544C>T (p.Pro848=)

Gene: IGHMBP2 (immunoglobulin mu DNA binding protein 2; plus strand). Cytogenetic location: 11q13.3.
Variant type: single nucleotide variant.
Coding change: c.2544C>T on transcript NM_002180.3 (MANE Select); coding-DNA position 2544, C replaced by T.
Protein change: p.Pro848=; no amino-acid change (proline 848 retained).
Molecular consequence: synonymous variant.
Genome position (GRCh38, 1-based): chr11:68,937,024, C>T. VCF-style: chr11-68937024-C-T. GRCh37 (hg19) VCF-style: chr11-68704492-C-T.
Identifiers: ClinVar variation 729255 (VCV000729255.16), dbSNP rs746248057, ClinGen allele CA6153934.
Genomic context (GRCh38, chr11:68,937,024, plus strand): 5'-TGATCTGAGGACGCTGCACCTGGAGAGACTGCAGAGGGTCAGGAGCGCGCAGGGGCAGCC[C>T]GCCAGCAAGGAGCAGCAGGCCTCAGGGCAGCAGAAACTTCCAGAAAAGAAAAAGAAAAAA-3'
Protein context (NP_002171.2, residues 838-858): LQRVRSAQGQ[Pro848=]ASKEQQASGQ